The following is an entry in ClinVar:

ClinVar aggregate classification (germline): Pathogenic. Review status: criteria provided, multiple submitters, no conflicts (2 of 4 stars). 6 submissions from 6 submitters: Pathogenic (5). 1 of the submissions does not count toward it. Last evaluated 2025-07-15.

Conditions:
Hereditary cancer-predisposing syndrome. Also called: Hereditary Cancer Syndrome; Hereditary neoplastic syndrome; Tumor predisposition; Neoplastic Syndromes, Hereditary. Identifiers: Orphanet 140162, MedGen C0027672, MeSH D009386, MONDO:0015356.
Familial cancer of breast. Also called: Hereditary breast cancer; hereditary breast carcinoma; BREAST CANCER, FAMILIAL. Identifiers: Orphanet 227535, MedGen C0346153, MONDO:0016419, OMIM 114480. Disease mechanism: loss of function.

Allele frequency attached by ClinVar (database versions not stated): gnomAD exomes below 0.00001.

Submissions (6):

Labcorp Genetics (formerly Invitae), Labcorp
Classification: Pathogenic for Familial cancer of breast. Last evaluated: 2025-07-15. Review status: criteria provided, single submitter. Criteria: Invitae Variant Classification Sherloc (09022015). Collection method: clinical testing. Allele origin: germline.
Comment: This sequence change creates a premature translational stop signal (p.Arg1086Glufs*9) in the PALB2 gene. It is expected to result in an absent or disrupted protein product. Loss-of-function variants in PALB2 are known to be pathogenic (PMID: 17200668, 17200671, 17200672, 24136930, 25099575). This variant is not present in population databases (gnomAD no frequency). This variant has not been reported in the literature in individuals affected with PALB2-related conditions. ClinVar contains an entry for this variant (Variation ID: 371971). RNA analysis performed to evaluate the impact of this premature translational stop signal on mRNA splicing indicates it does not significantly alter splicing (internal data). For these reasons, this variant has been classified as Pathogenic.

Ambry Genetics
Classification: Pathogenic for Hereditary cancer-predisposing syndrome. Last evaluated: 2025-04-11. Review status: criteria provided, single submitter. Criteria: Ambry Variant Classification Scheme 2023. Collection method: clinical testing. Allele origin: germline.
Comment: The c.3256delC pathogenic mutation, located in coding exon 12 of the PALB2 gene, results from a deletion of one nucleotide at nucleotide position 3256, causing a translational frameshift with a predicted alternate stop codon (p.R1086Efs*9). This variant was reported in 1/60,466 breast cancer cases and in 0/53,461 controls (Dorling et al. N Engl J Med. 2021 02;384:428-439). This variant is considered to be rare based on population cohorts in the Genome Aggregation Database (gnomAD). This alteration is expected to result in loss of function by premature protein truncation or nonsense-mediated mRNA decay. As such, this alteration is interpreted as a disease-causing mutation.

GeneDx
Classification: Pathogenic. Last evaluated: 2025-03-17. Review status: criteria provided, single submitter. Criteria: GeneDx Variant Classification Process June 2021. Collection method: clinical testing. Allele origin: germline.
Comment: Not observed at significant frequency in large population cohorts (gnomAD); Observed in an individual with breast cancer (PMID: 33471991); Truncating variants in this gene are considered pathogenic by a well-established clinical consortium and/or database; Frameshift variant predicted to result in protein truncation or nonsense mediated decay in a gene for which loss of function is a known mechanism of disease; This variant is associated with the following publications: (PMID: 33471991)

Myriad Genetics, Inc.
Classification: Pathogenic for Familial cancer of breast. Last evaluated: 2023-03-30. Review status: criteria provided, single submitter. Criteria: Myriad Autosomal Dominant, Autosomal Recessive and X-Linked Classification Criteria (2023). Collection method: clinical testing. Allele origin: unknown.
Comment: This variant is considered pathogenic. This variant creates a frameshift predicted to result in premature protein truncation.

Color Diagnostics, LLC DBA Color Health
Classification: Pathogenic for Hereditary cancer-predisposing syndrome. Last evaluated: 2020-11-05. Review status: criteria provided, single submitter. Criteria: ACMG Guidelines, 2015. Collection method: clinical testing. Allele origin: germline.
Comment: This variant deletes 1 nucleotide in exon 12 of the PALB2 gene, creating a frameshift and premature translation stop signal. This variant is expected to result in an absent or non-functional protein product. To our knowledge, this variant has not been reported in individuals affected with hereditary cancer in the literature. This variant has not been identified in the general population by the Genome Aggregation Database (gnomAD). Loss of PALB2 function is a known mechanism of disease. Based on the available evidence, this variant is classified as Pathogenic.

Counsyl
Classification: Likely pathogenic for Familial cancer of breast. Last evaluated: 2016-09-21. Review status: no assertion criteria provided. Collection method: clinical testing. Allele origin: unknown. Not counted in ClinVar's aggregate classification.

Literature cited by the submitters: PubMed 17200668 (cited by Labcorp Genetics (formerly Invitae), Labcorp); PubMed 17200671 (cited by Labcorp Genetics (formerly Invitae), Labcorp); PubMed 17200672 (cited by Labcorp Genetics (formerly Invitae), Labcorp); PubMed 24136930 (cited by Labcorp Genetics (formerly Invitae), Labcorp); PubMed 25099575 (cited by Labcorp Genetics (formerly Invitae), Labcorp); PubMed 33471991 (cited by Ambry Genetics).

NM_024675.4(PALB2):c.3256del (p.Arg1086fs)

Gene: PALB2 (partner and localizer of BRCA2; minus strand). Cytogenetic location: 16p12.2.
Variant type: Deletion.
Coding change: c.3256del on transcript NM_024675.4 (MANE Select); coding-DNA position 3256, one base deleted (C; older notation c.3256delC).
Protein change: p.Arg1086fs; shifts the reading frame from arginine 1086.
Molecular consequence: frameshift variant.
Genome position (GRCh38, 1-based): chr16:23,607,958, G deleted on the plus strand (C on the coding strand, the reverse complement: PALB2 is on the minus strand). VCF-style (leftmost placement, unchanged base first): chr16-23607957-CG-C. GRCh37 (hg19) VCF-style: chr16-23619278-CG-C.
Other names: c.3256delC (NM_024675.3); short protein forms R1086fs.
Identifiers: ClinVar variation 371971 (VCV000371971.21), dbSNP rs1057517600, ClinGen allele CA16042146.